The following is an entry in ClinVar:

ClinVar aggregate classification (germline): Likely benign (1 of 4 stars; one submission).

gnomAD v4.1: 669 of 1,613,004 alleles (0.041%); highest among the groups gnomAD compares: East Asian, 1.4%; 6 homozygotes.

Submission:

CeGaT Center for Human Genetics Tuebingen
Classification: Likely benign. Last evaluated: 2026-07-01. Review status: criteria provided, single submitter. Criteria: CeGaT Center For Human Genetics Tuebingen Variant Classification Criteria Version 2. Collection method: clinical testing. Allele origin: germline. Affected: yes. Observed: 1 variant allele.
Comment: ABHD16A: BS1

NM_021160.3(ABHD16A):c.475G>A (p.Asp159Asn)

Gene: ABHD16A (abhydrolase domain containing 16A, phospholipase; minus strand). Cytogenetic location: 6p21.33.
Variant type: single nucleotide variant.
Coding change: c.475G>A on transcript NM_021160.3 (MANE Select); coding-DNA position 475, G replaced by A.
Protein change: p.Asp159Asn; replaces aspartic acid 159 with asparagine.
Molecular consequence: missense variant. On other transcripts: non-coding transcript variant (2).
Genome position (GRCh38, 1-based): chr6:31,693,387, C>T on the plus strand (G>A on the coding strand, the complement: ABHD16A is on the minus strand). VCF-style: chr6-31693387-C-T. GRCh37 (hg19) VCF-style: chr6-31661164-C-T.
Other names: c.376G>A, p.Asp126Asn (NM_001177515.2); short protein forms D126N, D159N.
Identifiers: ClinVar variation 5038514 (VCV005038514.1).